The following is an entry in ClinVar:

ClinVar aggregate classification (germline): Uncertain significance (1 of 4 stars; one submission).

Submission:

Women's Health and Genetics/Laboratory Corporation of America, LabCorp
Classification: Uncertain significance. Last evaluated: 2026-06-17. Review status: criteria provided, single submitter. Criteria: LabCorp Variant Classification Summary - May 2015. Collection method: clinical testing. Allele origin: germline.
Comment: Variant summary: SHANK3 c.2726C>G (p.Ala909Gly) results in a non-conservative amino acid change in the encoded protein sequence. Algorithms developed to predict the effect of missense changes on protein structure and function are either unavailable or do not agree on the potential impact of this missense change. The variant was absent in 21884 control chromosomes. The available data on variant occurrences in the general population are insufficient to allow any conclusion about variant significance. To our knowledge, no occurrence of c.2726C>G in individuals affected with SHANK3-related conditions and no experimental evidence demonstrating its impact on protein function have been reported. ClinVar contains an entry for this variant (Variation ID: 2386119). Based on the evidence outlined above, the variant was classified as uncertain significance.

NM_001372044.2(SHANK3):c.2726C>G (p.Pro909Arg)

Gene: SHANK3 (SH3 and multiple ankyrin repeat domains 3; plus strand). Cytogenetic location: 22q13.33.
Variant type: single nucleotide variant.
Coding change: c.2726C>G on transcript NM_001372044.2 (MANE Select); coding-DNA position 2726, C replaced by G.
Protein change: p.Pro909Arg; replaces proline 909 with arginine.
Molecular consequence: missense variant.
Genome position (GRCh38, 1-based): chr22:50,720,334, C>G. VCF-style: chr22-50720334-C-G. GRCh37 (hg19) VCF-style: chr22-51158762-C-G.
Other names: short protein forms P909R.
Identifiers: ClinVar variation 4887163 (VCV004887163.1).